The following is an entry in ClinVar:

NM_000169.3(GLA):c.244A>T (p.Lys82Ter)

Genes: GLA (galactosidase alpha; minus strand), RPL36A-HNRNPH2 (RPL36A-HNRNPH2 readthrough; plus strand). Cytogenetic location: Xq22.1.
Variant type: single nucleotide variant.
Coding change: c.244A>T on transcript NM_000169.3 (MANE Select); coding-DNA position 244, A replaced by T.
Protein change: p.Lys82Ter; replaces lysine 82 with a stop codon.
Molecular consequence: nonsense. On other transcripts: non-coding transcript variant (3), intron variant (2).
Genome position (GRCh38, 1-based): chrX:101,403,936, T>A on the plus strand (A>T on the coding strand, the complement: GLA is on the minus strand). VCF-style: chrX-101403936-T-A. GRCh37 (hg19) VCF-style: chrX-100658924-T-A.
Other names: c.367A>T, p.Lys123Ter (NM_001406747.1, NM_001406749.1); c.244A>T, p.Lys82Ter (NM_001406748.1); c.301-8000T>A (NM_001199973.2); c.178-8000T>A (NM_001199974.2); short protein forms K82*, K123*.
Identifiers: ClinVar variation 370360 (VCV000370360.4), dbSNP rs1057516429, ClinGen allele CA16042047.

ClinVar aggregate classification (germline): Pathogenic. Review status: criteria provided, single submitter (1 of 4 stars). 2 submissions from 2 submitters: Pathogenic (1). 1 of the submissions does not count toward it. Last evaluated 2026-09-08.

Conditions:
Fabry disease. Also called: GLA DEFICIENCY; HEREDITARY DYSTOPIC LIPIDOSIS; Fabry's disease; ALPHA-GALACTOSIDASE A DEFICIENCY; ANDERSON-FABRY DISEASE; CERAMIDE TRIHEXOSIDASE DEFICIENCY. Identifiers: Orphanet 324, MedGen C0002986, MONDO:0010526, OMIM 301500, HP:0001071. Disease mechanism: Fabry disease is due to inactivating mutations in the X-linked GLA gene resulting in deficiency of the enzyme Alpha Galactosidase-A., loss of function.

Submissions (2):

Genomenon, Inc
Classification: Pathogenic for Fabry disease. Last evaluated: 2026-09-08. Review status: criteria provided, single submitter. Criteria: Genomenon Sequence Variant Interpretation Standards - Updated. Collection method: curation. Allele origin: germline. Affected: no.
Comment: GLA p.Lys82Ter (c.244A>T) is a nonsense variant that introduces a premature stop codon at amino acid position 82 and is predicted to result in a truncated or absent protein product. To our knowledge, this variant has not been reported in patients affected with Fabry disease in the published literature. At least one functional study has demonstrated a substantial alteration in protein function relative to the wild-type (PMID:23935525). It is absent or not present at a significant frequency in gnomAD. In conclusion, we classify GLA p.Lys82Ter (c.244A>T) as a pathogenic variant.

Counsyl
Classification: Likely pathogenic for Fabry disease. Last evaluated: 2016-07-06. Review status: no assertion criteria provided. Collection method: clinical testing. Allele origin: unknown. Not counted in ClinVar's aggregate classification.

Literature cited by the submitters: PubMed 23935525 (cited by Genomenon, Inc).